The following is an entry in ClinVar:

ClinVar aggregate classification (germline): Uncertain significance (1 of 4 stars; one submission).

Conditions:
Perlman syndrome (PRLMNS). Identifiers: Orphanet 2849, MedGen C0796113, MONDO:0009965, OMIM 267000.

Submission:

Labcorp Genetics (formerly Invitae), Labcorp
Classification: Uncertain significance for Perlman syndrome. Last evaluated: 2021-08-02. Review status: criteria provided, single submitter. Criteria: Invitae Variant Classification Sherloc (09022015). Collection method: clinical testing. Allele origin: germline.
Comment: In summary, the available evidence is currently insufficient to determine the role of this variant in disease. Therefore, it has been classified as a Variant of Uncertain Significance. Algorithms developed to predict the effect of missense changes on protein structure and function are either unavailable or do not agree on the potential impact of this missense change (SIFT: "Tolerated"; PolyPhen-2: "Probably Damaging"; Align-GVGD: "Class C0"). This variant has not been reported in the literature in individuals affected with DIS3L2-related conditions. This variant is not present in population databases (ExAC no frequency). This sequence change replaces valine with leucine at codon 749 of the DIS3L2 protein (p.Val749Leu). The valine residue is moderately conserved and there is a small physicochemical difference between valine and leucine.

NM_152383.5(DIS3L2):c.2245G>T (p.Val749Leu)

Gene: DIS3L2 (DIS3 like 3'-5' exoribonuclease 2; plus strand). Cytogenetic location: 2q37.1.
Variant type: single nucleotide variant.
Coding change: c.2245G>T on transcript NM_152383.5 (MANE Select); coding-DNA position 2245, G replaced by T.
Protein change: p.Val749Leu; replaces valine 749 with leucine.
Molecular consequence: missense variant. On other transcripts: non-coding transcript variant (2), intron variant (1).
Genome position (GRCh38, 1-based): chr2:232,334,455, G>T. VCF-style: chr2-232334455-G-T. GRCh37 (hg19) VCF-style: chr2-233199165-G-T.
Other names: c.1582-8890G>T (NM_001257281.2); short protein forms V749L.
Identifiers: ClinVar variation 1366681 (VCV001366681.6), dbSNP rs755574750, ClinGen allele CA350977787.